The following is an entry in ClinVar:

ClinVar aggregate classification (germline): Pathogenic. Review status: criteria provided, multiple submitters, no conflicts (2 of 4 stars). 2 submissions from 2 submitters: Pathogenic (2). Last evaluated 2025-04-08.

Conditions:
Gastrointestinal stromal tumor. Also called: Gastrointestinal stromal tumor, somatic; Gastrointestinal stroma tumor. Identifiers: Orphanet 44890, MedGen C0238198, MeSH D046152, MONDO:0011719, OMIM 606764, HP:0100723.
Pheochromocytoma. Also called: MAX-Related Hereditary Paraganglioma-Pheochromocytoma Syndrome. Identifiers: Orphanet 29072, MedGen C0031511, MONDO:0008233, OMIM 171300, HP:0002666.
Pheochromocytoma/paraganglioma syndrome 4. Also called: Paragangliomas 4; PARAGANGLIOMA, FAMILIAL MALIGNANT; PARAGANGLIOMAS, HEREDITARY EXTRAADRENAL; PHEOCHROMOCYTOMA, FAMILIAL EXTRAADRENAL; SDHB-Related Hereditary Paraganglioma-Pheochromocytoma Syndrome; CAROTID BODY TUMORS AND MULTIPLE EXTRAADRENAL PHEOCHROMOCYTOMAS. Identifiers: Orphanet 29072, MedGen C1861848, MONDO:0007273, OMIM 115310.
Hereditary cancer-predisposing syndrome. Also called: Tumor predisposition; Neoplastic Syndromes, Hereditary; Hereditary Cancer Syndrome; Hereditary neoplastic syndrome. Identifiers: Orphanet 140162, MedGen C0027672, MeSH D009386, MONDO:0015356.

Submissions (2):

Labcorp Genetics (formerly Invitae), Labcorp
Classification: Pathogenic for Gastrointestinal stromal tumor; Pheochromocytoma/paraganglioma syndrome 4; Pheochromocytoma. Last evaluated: 2025-04-08. Review status: criteria provided, single submitter. Criteria: Invitae Variant Classification Sherloc (09022015). Collection method: clinical testing. Allele origin: germline.
Comment: This sequence change creates a premature translational stop signal (p.Ser125*) in the SDHB gene. It is expected to result in an absent or disrupted protein product. Loss-of-function variants in SDHB are known to be pathogenic (PMID: 19454582, 19802898). This variant is not present in population databases (gnomAD no frequency). This variant has not been reported in the literature in individuals affected with SDHB-related conditions. ClinVar contains an entry for this variant (Variation ID: 187145). Algorithms developed to predict the effect of sequence changes on RNA splicing suggest that this variant may disrupt the consensus splice site. For these reasons, this variant has been classified as Pathogenic.

Ambry Genetics
Classification: Pathogenic for Hereditary cancer-predisposing syndrome. Last evaluated: 2015-07-15. Review status: criteria provided, single submitter. Criteria: Ambry Variant Classification Scheme 2023. Collection method: clinical testing. Allele origin: germline.
Comment: The p.S125* pathogenic mutation (also known as c.374C>A) located in coding exon 4 of the SDHB gene, results from a C to A substitution at nucleotide position 374. This changes the amino acid from a serine to a stop codon within coding exon 4. Since premature stop codons are typically deleterious in nature, this alteration is interpreted as a disease-causing mutation (ACMG Recommendations for Standards for Interpretation and Reporting of Sequence Variations. Revision 2007. Genet Med. 2008;10:294).

Literature cited by the submitters: PubMed 19454582 (cited by Labcorp Genetics (formerly Invitae), Labcorp); PubMed 19802898 (cited by Labcorp Genetics (formerly Invitae), Labcorp).

NM_003000.3(SDHB):c.374C>A (p.Ser125Ter)

Gene: SDHB (succinate dehydrogenase complex iron sulfur subunit B; minus strand). Cytogenetic location: 1p36.13.
Variant type: single nucleotide variant.
Coding change: c.374C>A on transcript NM_003000.3 (MANE Select); coding-DNA position 374, C replaced by A.
Protein change: p.Ser125Ter; replaces serine 125 with a stop codon.
Molecular consequence: nonsense.
Genome position (GRCh38, 1-based): chr1:17,028,649, G>T on the plus strand (C>A on the coding strand, the complement: SDHB is on the minus strand). VCF-style: chr1-17028649-G-T. GRCh37 (hg19) VCF-style: chr1-17355144-G-T.
Other names: short protein forms S125*.
Identifiers: ClinVar variation 187145 (VCV000187145.12), dbSNP rs786203506, ClinGen allele CA015788.